The following is an entry in ClinVar:

ClinVar aggregate classification (germline): Uncertain significance (1 of 4 stars; one submission).

Conditions:
Cardiovascular phenotype. Identifiers: MedGen CN230736.

Submission:

Ambry Genetics
Classification: Uncertain significance for Cardiovascular phenotype. Last evaluated: 2022-11-19. Review status: criteria provided, single submitter. Criteria: Ambry Variant Classification Scheme 2023. Collection method: clinical testing. Allele origin: germline.
Comment: The p.R1138S variant (also known as c.3414G>C), located in coding exon 7 of the TNXB gene, results from a G to C substitution at nucleotide position 3414. The arginine at codon 1138 is replaced by serine, an amino acid with dissimilar properties. This amino acid position is conserved. In addition, this alteration is predicted to be tolerated by in silico analysis. Since supporting evidence is limited at this time, the clinical significance of this alteration remains unclear.

NM_001365276.2(TNXB):c.3414G>C (p.Arg1138Ser)

Gene: TNXB (tenascin XB; minus strand). Cytogenetic location: 6p21.33.
Variant type: single nucleotide variant.
Coding change: c.3414G>C on transcript NM_001365276.2 (MANE Select); coding-DNA position 3414, G replaced by C.
Protein change: p.Arg1138Ser; replaces arginine 1138 with serine.
Molecular consequence: missense variant.
Genome position (GRCh38, 1-based): chr6:32,084,444, C>G on the plus strand (G>C on the coding strand, the complement: TNXB is on the minus strand). VCF-style: chr6-32084444-C-G. GRCh37 (hg19) VCF-style: chr6-32052221-C-G.
Other names: c.3414G>C, p.Arg1138Ser (NM_019105.8); short protein forms R1138S.
Identifiers: ClinVar variation 2451125 (VCV002451125.2), dbSNP rs2483691715, ClinGen allele CA363441064.